The following is an entry in ClinVar:

NM_004656.4(BAP1):c.2066C>T (p.Ala689Val)

Gene: BAP1 (BRCA1 associated deubiquitinase 1; minus strand). Cytogenetic location: 3p21.1.
Variant type: single nucleotide variant.
Coding change: c.2066C>T on transcript NM_004656.4 (MANE Select); coding-DNA position 2066, C replaced by T.
Protein change: p.Ala689Val; replaces alanine 689 with valine.
Molecular consequence: missense variant.
Genome position (GRCh38, 1-based): chr3:52,402,412, G>A on the plus strand (C>T on the coding strand, the complement: BAP1 is on the minus strand). VCF-style: chr3-52402412-G-A. GRCh37 (hg19) VCF-style: chr3-52436428-G-A.
Other names: c.2012C>T, p.Ala671Val (NM_001410772.1); short protein forms A689V, A671V.
Identifiers: ClinVar variation 1785292 (VCV001785292.2), dbSNP rs771901936, ClinGen allele CA353094540.

ClinVar aggregate classification (germline): Uncertain significance (1 of 4 stars; one submission).

Conditions:
Hereditary cancer-predisposing syndrome. Also called: Neoplastic Syndromes, Hereditary; Tumor predisposition; Hereditary Cancer Syndrome; Hereditary neoplastic syndrome. Identifiers: Orphanet 140162, MedGen C0027672, MeSH D009386, MONDO:0015356.

Submission:

Ambry Genetics
Classification: Uncertain significance for Hereditary cancer-predisposing syndrome. Last evaluated: 2022-10-05. Review status: criteria provided, single submitter. Criteria: Ambry Variant Classification Scheme 2023. Collection method: clinical testing. Allele origin: germline.
Comment: The p.A689V variant (also known as c.2066C>T), located in coding exon 17 of the BAP1 gene, results from a C to T substitution at nucleotide position 2066. The alanine at codon 689 is replaced by valine, an amino acid with similar properties. This amino acid position is conserved. In addition, the in silico prediction for this alteration is inconclusive. Since supporting evidence is limited at this time, the clinical significance of this alteration remains unclear.